The following is an entry in ClinVar:

ClinVar aggregate classification (germline): Uncertain significance (1 of 4 stars; one submission).

Submission:

GeneDx
Classification: Uncertain significance. Last evaluated: 2025-04-24. Review status: criteria provided, single submitter. Criteria: GeneDx Variant Classification Process June 2021. Collection method: clinical testing. Allele origin: germline. Affected: yes.
Comment: Not observed at significant frequency in large population cohorts (gnomAD); In silico analysis supports that this missense variant has a deleterious effect on protein structure/function; Has not been previously published as pathogenic or benign to our knowledge; Not located in one of the three hot-spot regions of the RYR2 gene, where the majority of pathogenic missense variants occur (PMID: 19926015); This variant is associated with the following publications: (PMID: 19926015)

NM_001035.3(RYR2):c.8196G>T (p.Trp2732Cys)

Gene: RYR2 (ryanodine receptor 2; plus strand). Cytogenetic location: 1q43.
Variant type: single nucleotide variant.
Coding change: c.8196G>T on transcript NM_001035.3 (MANE Select); coding-DNA position 8196, G replaced by T.
Protein change: p.Trp2732Cys; replaces tryptophan 2732 with cysteine.
Molecular consequence: missense variant.
Genome position (GRCh38, 1-based): chr1:237,658,010, G>T. VCF-style: chr1-237658010-G-T. GRCh37 (hg19) VCF-style: chr1-237821310-G-T.
Other names: short protein forms W2732C.
Identifiers: ClinVar variation 4528259 (VCV004528259.1).
Genomic context (GRCh38, chr1:237,658,010, plus strand): 5'-AATTCCTGAGAAATTGGAATACTTCATTAACAAATATGCAGAACACTCCCATGACAAATG[G>T]TCAATGGACAAGGTAAAAAGAGTATTACATTCTAATTCAGTAGTCATTATTAATGACTGG-3'
Protein context (NP_001026.2, residues 2722-2742): NKYAEHSHDK[Trp2732Cys]SMDKLANGWI